The following is an entry in ClinVar:

NM_001374736.1(DST):c.22844G>A (p.Arg7615Gln)

Gene: DST (dystonin; minus strand). Cytogenetic location: 6p12.1.
Variant type: single nucleotide variant.
Coding change: c.22844G>A on transcript NM_001374736.1 (MANE Select); coding-DNA position 22844, G replaced by A.
Protein change: p.Arg7615Gln; replaces arginine 7615 with glutamine.
Molecular consequence: missense variant.
Genome position (GRCh38, 1-based): chr6:56,463,680, C>T on the plus strand (G>A on the coding strand, the complement: DST is on the minus strand). VCF-style: chr6-56463680-C-T. GRCh37 (hg19) VCF-style: chr6-56328478-C-T.
Other names: c.16415G>A, p.Arg5472Gln (NM_001144769.5); c.16001G>A, p.Arg5334Gln (NM_001144770.2); c.22772G>A, p.Arg7591Gln (NM_001374722.1); c.21884G>A, p.Arg7295Gln (NM_001374729.1); c.15626G>A, p.Arg5209Gln (NM_001374730.1); c.22799G>A, p.Arg7600Gln (NM_001374734.1); c.15863G>A, p.Arg5288Gln (NM_001386100.1); c.14903G>A, p.Arg4968Gln (NM_015548.5); and 1 more; short protein forms R4968Q, R5209Q, R5288Q, R5294Q, R5334Q, R5472Q, R7295Q, R7591Q.
Identifiers: ClinVar variation 1059787 (VCV001059787.9), dbSNP rs750542445, ClinGen allele CA3866129.

ClinVar aggregate classification (germline): Uncertain significance (1 of 4 stars; one submission).

Conditions:
Hereditary sensory and autonomic neuropathy type 6. Also called: HSAN VI; Neuropathy, hereditary sensory and autonomic, type VI. Identifiers: Orphanet 314381, MedGen C3539003, MONDO:0013839, OMIM 614653.
Epidermolysis bullosa simplex 3, localized or generalized intermediate, with BP230 deficiency (EBS3). Also called: Epidermolysis bullosa simplex due to BP230 deficiency; Epidermolysis bullosa simplex, autosomal recessive 2. Identifiers: Orphanet 412181, MedGen C3809470, MONDO:0014180, OMIM 615425.

Allele frequency attached by ClinVar (database versions not stated): ExAC 0.00002; gnomAD exomes 0.00002 and 0.00003; gnomAD 0.00003; TOPMed 0.00003.
gnomAD v4.1: 27 of 1,613,792 alleles (0.0017%); highest among the groups gnomAD compares: Middle Eastern, 0.016%; no homozygotes.

Submission:

Labcorp Genetics (formerly Invitae), Labcorp
Classification: Uncertain significance for Epidermolysis bullosa simplex 3, localized or generalized intermediate, with BP230 deficiency; Hereditary sensory and autonomic neuropathy type 6. Last evaluated: 2023-10-13. Review status: criteria provided, single submitter. Criteria: Invitae Variant Classification Sherloc (09022015). Collection method: clinical testing. Allele origin: germline.
Comment: The DST gene has multiple clinically relevant transcripts. This variant occurs in alternate transcript NM_015548.4, and corresponds to NM_001723.5:c.*151837G>A in the primary transcript. This sequence change replaces arginine, which is basic and polar, with glutamine, which is neutral and polar, at codon 4968 of the DST protein (p.Arg4968Gln). This variant is present in population databases (rs750542445, gnomAD 0.009%). This variant has not been reported in the literature in individuals affected with DST-related conditions. Experimental studies and prediction algorithms are not available or were not evaluated, and the functional significance of this variant is currently unknown. In summary, the available evidence is currently insufficient to determine the role of this variant in disease. Therefore, it has been classified as a Variant of Uncertain Significance.